The following is an entry in ClinVar:

NM_000214.3(JAG1):c.3510T>G (p.Phe1170Leu)

Gene: JAG1 (jagged canonical Notch ligand 1; minus strand). Cytogenetic location: 20p12.2.
Variant type: single nucleotide variant.
Coding change: c.3510T>G on transcript NM_000214.3 (MANE Select); coding-DNA position 3510, T replaced by G.
Protein change: p.Phe1170Leu; replaces phenylalanine 1170 with leucine.
Molecular consequence: missense variant.
Genome position (GRCh38, 1-based): chr20:10,639,645, A>C on the plus strand (T>G on the coding strand, the complement: JAG1 is on the minus strand). VCF-style: chr20-10639645-A-C. GRCh37 (hg19) VCF-style: chr20-10620293-A-C.
Other names: short protein forms F1170L.
Identifiers: ClinVar variation 2586940 (VCV002586940.2), dbSNP rs2514506292, ClinGen allele CA408242683.
Genomic context (GRCh38, chr20:10,639,645, plus strand): 5'-CGGCGTGCCGTTGGGGGGCTTCTCTTCTCTGTCTACCAGCGTGTACGCCGGCTGCTTGGC[A>C]AACCGGGCTTTCTGCTGGTGTTTGTCCATGTCGTCCTCTTCTACTTCAGAATTGTGTGTC-3'
Protein context (NP_000205.1, residues 1160-1180): DMDKHQQKAR[Phe1170Leu]AKQPAYTLVD

ClinVar aggregate classification (germline): Uncertain significance (1 of 4 stars; one submission).

Conditions:
Cardiovascular phenotype. Identifiers: MedGen CN230736.

Submission:

Ambry Genetics
Classification: Uncertain significance for Cardiovascular phenotype. Last evaluated: 2023-07-27. Review status: criteria provided, single submitter. Criteria: Ambry Variant Classification Scheme 2023. Collection method: clinical testing. Allele origin: germline.
Comment: The p.F1170L variant (also known as c.3510T>G), located in coding exon 26 of the JAG1 gene, results from a T to G substitution at nucleotide position 3510. The phenylalanine at codon 1170 is replaced by leucine, an amino acid with highly similar properties. This amino acid position is conserved. In addition, the in silico prediction for this alteration is inconclusive. Since supporting evidence is limited at this time, the clinical significance of this alteration remains unclear.